The following is an entry in ClinVar:

NM_032492.4(JAGN1):c.205G>A (p.Ala69Thr)

Gene: JAGN1 (jagunal vesicle mediated transporter 1; plus strand). Cytogenetic location: 3p25.3.
Variant type: single nucleotide variant.
Coding change: c.205G>A on transcript NM_032492.4 (MANE Select); coding-DNA position 205, G replaced by A.
Protein change: p.Ala69Thr; replaces alanine 69 with threonine.
Molecular consequence: missense variant.
Genome position (GRCh38, 1-based): chr3:9,893,030, G>A. VCF-style: chr3-9893030-G-A. GRCh37 (hg19) VCF-style: chr3-9934714-G-A.
Other names: c.43G>A, p.Ala15Thr (NM_001363890.1); short protein forms A69T, A15T.
Identifiers: ClinVar variation 1047313 (VCV001047313.5), dbSNP rs2082573376, ClinGen allele CA351714516.
Genomic context (GRCh38, chr3:9,893,030, plus strand): 5'-CTGCTGCTGGTTGCTAAGATGAGCGTGGGACACCTGAGGCTCTTGTCACATGATCAGGTG[G>A]CCATGCCCTATCAGTGGGAATACCCGTATTTGCTGAGCATTTTGCCCTCTCTCTTGGGCC-3'
Protein context (NP_115881.3, residues 59-79): HLRLLSHDQV[Ala69Thr]MPYQWEYPYL

ClinVar aggregate classification (germline): Uncertain significance (1 of 4 stars; one submission).

Conditions:
Autosomal recessive severe congenital neutropenia due to JAGN1 deficiency. Also called: Severe congenital neutropenia 6, autosomal recessive. Identifiers: Orphanet 423384, MedGen C4014954, MONDO:0014456, OMIM 616022.

Submission:

Labcorp Genetics (formerly Invitae), Labcorp
Classification: Uncertain significance for Autosomal recessive severe congenital neutropenia due to JAGN1 deficiency. Last evaluated: 2023-08-04. Review status: criteria provided, single submitter. Criteria: Invitae Variant Classification Sherloc (09022015). Collection method: clinical testing. Allele origin: germline.
Comment: This variant is not present in population databases (gnomAD no frequency). This variant has not been reported in the literature in individuals affected with JAGN1-related conditions. ClinVar contains an entry for this variant (Variation ID: 1047313). An algorithm developed to predict the effect of missense changes on protein structure and function (PolyPhen-2) suggests that this variant is likely to be tolerated. In summary, the available evidence is currently insufficient to determine the role of this variant in disease. Therefore, it has been classified as a Variant of Uncertain Significance. This sequence change replaces alanine, which is neutral and non-polar, with threonine, which is neutral and polar, at codon 69 of the JAGN1 protein (p.Ala69Thr).